The following is an entry in ClinVar:

NM_012186.3(FOXE3):c.846C>T (p.Pro282=)

Genes: FOXE3 (forkhead box E3; plus strand), LINC01389 (long independently transcribed non-coding RNA 1389; minus strand). Cytogenetic location: 1p33.
Variant type: single nucleotide variant.
Coding change: c.846C>T on transcript NM_012186.3 (MANE Select); coding-DNA position 846, C replaced by T.
Protein change: p.Pro282=; no amino-acid change (proline 282 retained).
Molecular consequence: synonymous variant.
Genome position (GRCh38, 1-based): chr1:47,417,161, C>T. VCF-style: chr1-47417161-C-T. GRCh37 (hg19) VCF-style: chr1-47882833-C-T.
Identifiers: ClinVar variation 4791473 (VCV004791473.1).
Genomic context (GRCh38, chr1:47,417,161, plus strand): 5'-CTCGCAGGTCCCCGACCGCCTGGTACTGCCCGCGACGCGCCCCGGCCCCGGCCCGCTGCC[C>T]GCTGAGCCCCTCCTGGCCTTGGCCGGGCCGGCAGCCGCTCTCGGCCCGCTCAGCCCTGGG-3'
Protein context (NP_036318.1, residues 272-292): PATRPGPGPL[Pro282=]AEPLLALAGP

ClinVar aggregate classification (germline): Uncertain significance (1 of 4 stars; one submission).

Conditions:
Anterior segment dysgenesis. Also called: Ocular anterior segment dysgenesis. Identifiers: Orphanet 88632, MedGen C1862839, MONDO:0019503, HP:0007700.
Congenital primary aphakia. Also called: Anterior segment dysgenesis 2, multiple subtypes; ANTERIOR SEGMENT DYSGENESIS 2. Identifiers: Orphanet 83461, MedGen C1853230, MONDO:0012456, OMIM 610256.

gnomAD v4.1: 4 of 1,404,522 alleles (0.00028%); highest among the groups gnomAD compares: Non-Finnish European, 0.00037%; no homozygotes.

Submission:

Labcorp Genetics (formerly Invitae), Labcorp
Classification: Uncertain significance for Anterior segment dysgenesis; Congenital primary aphakia. Last evaluated: 2025-06-30. Review status: criteria provided, single submitter. Criteria: Invitae Variant Classification Sherloc (09022015). Collection method: clinical testing. Allele origin: germline.
Comment: This sequence change affects codon 282 of the FOXE3 mRNA. It is a 'silent' change, meaning that it does not change the encoded amino acid sequence of the FOXE3 protein. The frequency data for this variant in the population databases is considered unreliable, as metrics indicate poor data quality at this position in the gnomAD database. This variant has not been reported in the literature in individuals affected with FOXE3-related conditions. In summary, the available evidence is currently insufficient to determine the role of this variant in disease. Therefore, it has been classified as a Variant of Uncertain Significance.